The following is an entry in ClinVar:

NM_001042702.5(PJVK):c.823del (p.Ser275fs)

Gene: PJVK (pejvakin; plus strand). Cytogenetic location: 2q31.2.
Variant type: Deletion.
Coding change: c.823del on transcript NM_001042702.5 (MANE Select); coding-DNA position 823, one base deleted (T; older notation c.823delT).
Protein change: p.Ser275fs; shifts the reading frame from serine 275.
Molecular consequence: frameshift variant.
Genome position (GRCh38, 1-based): chr2:178,461,038, T deleted; the last of 6 consecutive T bases (chr2:178,461,033-178,461,038); deleting any one gives the same sequence. VCF-style (leftmost placement, unchanged base first): chr2-178461032-CT-C. GRCh37 (hg19) VCF-style: chr2-179325759-CT-C.
Other names: c.832del, p.Ser278fs (NM_001353775.2); c.829del, p.Ser277fs (NM_001353776.2); c.346del, p.Ser116fs (NM_001353777.1, NM_001353778.2); c.823del, p.Ser275fs (NM_001369912.1); short protein forms S116fs, S277fs, S278fs, S275fs.
Identifiers: ClinVar variation 3677633 (VCV003677633.2).

ClinVar aggregate classification (germline): Pathogenic (1 of 4 stars; one submission).

Submission:

Labcorp Genetics (formerly Invitae), Labcorp
Classification: Pathogenic. Last evaluated: 2024-03-16. Review status: criteria provided, single submitter. Criteria: Invitae Variant Classification Sherloc (09022015). Collection method: clinical testing. Allele origin: germline.
Comment: This sequence change creates a premature translational stop signal (p.Ser275Leufs*10) in the DFNB59 gene. While this is not anticipated to result in nonsense mediated decay, it is expected to disrupt the last 78 amino acid(s) of the DFNB59 protein. This variant is present in population databases (rs779222214, gnomAD 0.01%). This variant has not been reported in the literature in individuals affected with DFNB59-related conditions. This variant disrupts a region of the DFNB59 protein in which other variant(s) (p.Val330Leufs*7) have been determined to be pathogenic (PMID: 17718865). This suggests that this is a clinically significant region of the protein, and that variants that disrupt it are likely to be disease-causing. For these reasons, this variant has been classified as Pathogenic.

Literature cited by the submitters: PubMed 17718865.